The following is an entry in ClinVar:

NM_001114753.3(ENG):c.816+3G>T

Gene: ENG (endoglin; minus strand). Cytogenetic location: 9q34.11.
Variant type: single nucleotide variant.
Coding change: c.816+3G>T on transcript NM_001114753.3 (MANE Select); 3 bases into the intron after coding-DNA position 816, G replaced by T.
Molecular consequence: intron variant.
Genome position (GRCh38, 1-based): chr9:127,825,228, C>A on the plus strand (G>T on the coding strand, the complement: ENG is on the minus strand). VCF-style: chr9-127825228-C-A. GRCh37 (hg19) VCF-style: chr9-130587507-C-A.
Other names: NM_001278138.2:c.270+3G>T; c.816+3G>T (NM_000118.4, NM_001406715.1); c.270+3G>T (NM_001278138.2).
Identifiers: ClinVar variation 3064791 (VCV003064791.1), dbSNP rs1830577984, ClinGen allele CA2740089967.

ClinVar aggregate classification (germline): Likely benign (3 of 4 stars; one submission).

Conditions:
Telangiectasia, hereditary hemorrhagic, type 1 (HHT1). Also called: Osler Weber Rendu syndrome type 1; ENG-Related Hereditary Hemorrhagic Telangiectasia. Identifiers: Orphanet 774, MedGen C4551861, MONDO:0008535, OMIM 187300. Disease mechanism: loss of function.

Submission:

ClinGen Hereditary Hemorrhagic Telangiectasia Variant Curation Expert Panel, ClinGen
Classification: Likely benign for Telangiectasia, hereditary hemorrhagic, type 1. Last evaluated: 2024-03-15. Review status: reviewed by expert panel. Criteria: ClinGen HHT ACMG Specifications ENG V1.1.0. Collection method: curation. Allele origin: germline. Inheritance: Autosomal dominant inheritance.
Comment: The NM_001114753.3: c.816+3G>T variant in ENG is an intronic variant located in intron 6. This variant is absent from gnomAD v2.1.1 (PM2_Supporting). The computational splicing predictor SpliceAI gives a score of 0.03 for donor loss suggesting that the variant has no impact on splicing (BP4). In summary, this variant meets the criteria to be classified as likely benign for autosomal dominant hereditary hemorrhagic telangiectasia based on the ACMG/AMP criteria applied, as specified by the ClinGen Hereditary Hemorrhagic Telangiectasia Variant Curation Expert Panel: BP4, BP5, PM2_Supporting (specification version 1.0.0; 1/4/2024).